The following is an entry in ClinVar:

NM_001114753.3(ENG):c.1423G>A (p.Val475Met)

Genes: ENG (endoglin; minus strand), LOC102723566 (uncharacterized LOC102723566; plus strand). Cytogenetic location: 9q34.11.
Variant type: single nucleotide variant.
Coding change: c.1423G>A on transcript NM_001114753.3 (MANE Select); coding-DNA position 1423, G replaced by A.
Protein change: p.Val475Met; replaces valine 475 with methionine.
Molecular consequence: missense variant.
Genome position (GRCh38, 1-based): chr9:127,818,721, C>T on the plus strand (G>A on the coding strand, the complement: ENG is on the minus strand). VCF-style: chr9-127818721-C-T. GRCh37 (hg19) VCF-style: chr9-130581000-C-T.
Other names: c.1423G>A, p.Val475Met (NM_000118.4); c.877G>A, p.Val293Met (NM_001278138.2); short protein forms V293M, V475M.
Identifiers: ClinVar variation 5035979 (VCV005035979.1).

ClinVar aggregate classification (germline): Uncertain significance (1 of 4 stars; one submission).

Conditions:
Cardiovascular phenotype. Identifiers: MedGen CN230736.

Submission:

Ambry Genetics
Classification: Uncertain significance for Cardiovascular phenotype. Last evaluated: 2026-08-17. Review status: criteria provided, single submitter. Criteria: Ambry Variant Classification Scheme 2023. Collection method: clinical testing. Allele origin: germline.
Comment: The p.V475M variant (also known as c.1423G>A), located in coding exon 11 of the ENG gene, results from a G to A substitution at nucleotide position 1423. The valine at codon 475 is replaced by methionine, an amino acid with highly similar properties. This amino acid position is conserved. In addition, the in silico prediction for this alteration is inconclusive. Based on the available evidence, the clinical significance of this variant remains unclear.